The following is an entry in ClinVar:

ClinVar aggregate classification (germline): Uncertain significance. Review status: criteria provided, multiple submitters, no conflicts (2 of 4 stars). 2 submissions from 2 submitters: Uncertain significance (2). Last evaluated 2024-07-05.

Conditions:
Hereditary cancer-predisposing syndrome. Also called: Hereditary Cancer Syndrome; Tumor predisposition; Neoplastic Syndromes, Hereditary; Hereditary neoplastic syndrome. Identifiers: Orphanet 140162, MedGen C0027672, MeSH D009386, MONDO:0015356.
Multiple endocrine neoplasia, type 2 (MEN2). Identifiers: Orphanet 653, MedGen C4048306, MONDO:0019003. Disease mechanism: gain of function.

Allele frequency attached by ClinVar (database versions not stated): gnomAD exomes below 0.00001 and 0.00001; ExAC 0.00001.
gnomAD v4.1: 4 of 1,614,028 alleles (0.00025%); highest among the groups gnomAD compares: Non-Finnish European, 0.00034%; no homozygotes.

Submissions (2):

Ambry Genetics
Classification: Uncertain significance for Hereditary cancer-predisposing syndrome. Last evaluated: 2024-07-05. Review status: criteria provided, single submitter. Criteria: Ambry Variant Classification Scheme 2023. Collection method: clinical testing. Allele origin: germline.
Comment: The p.E979G variant (also known as c.2936A>G), located in coding exon 17 of the RET gene, results from an A to G substitution at nucleotide position 2936. The glutamic acid at codon 979 is replaced by glycine, an amino acid with similar properties. This amino acid position is highly conserved in available vertebrate species. In addition, this alteration is predicted to be deleterious by in silico analysis. Based on the available evidence, the clinical significance of this variant remains unclear.

Labcorp Genetics (formerly Invitae), Labcorp
Classification: Uncertain significance for Multiple endocrine neoplasia, type 2. Last evaluated: 2020-07-16. Review status: criteria provided, single submitter. Criteria: Invitae Variant Classification Sherloc (09022015). Collection method: clinical testing. Allele origin: germline.
Comment: This variant is present in population databases (rs752352085, ExAC 0.002%). In summary, the available evidence is currently insufficient to determine the role of this variant in disease. Therefore, it has been classified as a Variant of Uncertain Significance. Algorithms developed to predict the effect of missense changes on protein structure and function are either unavailable or do not agree on the potential impact of this missense change (SIFT: "Tolerated"; PolyPhen-2: "Probably Damaging"; Align-GVGD: "Class C0"). This variant has not been reported in the literature in individuals with RET-related conditions. This sequence change replaces glutamic acid with glycine at codon 979 of the RET protein (p.Glu979Gly). The glutamic acid residue is highly conserved and there is a moderate physicochemical difference between glutamic acid and glycine.

NM_020975.6(RET):c.2936A>G (p.Glu979Gly)

Gene: RET (ret proto-oncogene; plus strand). Cytogenetic location: 10q11.21.
Variant type: single nucleotide variant.
Coding change: c.2936A>G on transcript NM_020975.6 (MANE Select); coding-DNA position 2936, A replaced by G.
Protein change: p.Glu979Gly; replaces glutamic acid 979 with glycine.
Molecular consequence: missense variant.
Genome position (GRCh38, 1-based): chr10:43,123,805, A>G. VCF-style: chr10-43123805-A-G. GRCh37 (hg19) VCF-style: chr10-43619253-A-G.
Other names: c.2936A>G, p.Glu979Gly (NM_000323.2, NM_001406743.1, NM_001406744.1 and 4 more transcripts); c.2174A>G, p.Glu725Gly (NM_001355216.2); c.2807A>G, p.Glu936Gly (NM_001406761.1, NM_001406762.1, NM_001406764.1); c.2801A>G, p.Glu934Gly (NM_001406763.1, NM_001406765.1); c.2648A>G, p.Glu883Gly (NM_001406766.1, NM_001406767.1, NM_001406770.1); c.2672A>G, p.Glu891Gly (NM_001406768.1); c.2540A>G, p.Glu847Gly (NM_001406769.1, NM_001406772.1); c.2498A>G, p.Glu833Gly (NM_001406771.1, NM_001406773.1); and 10 more; short protein forms E725G, E979G, E635G, E804G, E833G, E891G, E640G, E680G.
Identifiers: ClinVar variation 1015149 (VCV001015149.10), dbSNP rs752352085, ClinGen allele CA041535.